The following is an entry in ClinVar:

ClinVar aggregate classification (germline): Uncertain significance (1 of 4 stars; one submission).

Allele frequency attached by ClinVar (database versions not stated): gnomAD exomes 0.00001; ExAC 0.00003.

Submission:

Labcorp Genetics (formerly Invitae), Labcorp
Classification: Uncertain significance. Last evaluated: 2025-06-02. Review status: criteria provided, single submitter. Criteria: Invitae Variant Classification Sherloc (09022015). Collection method: clinical testing. Allele origin: germline.
Comment: This sequence change replaces isoleucine, which is neutral and non-polar, with valine, which is neutral and non-polar, at codon 497 of the SLC6A19 protein (p.Ile497Val). This variant is present in population databases (rs751899173, gnomAD 0.01%). This variant has not been reported in the literature in individuals affected with SLC6A19-related conditions. ClinVar contains an entry for this variant (Variation ID: 2420979). Invitae Evidence Modeling of protein sequence and biophysical properties (such as structural, functional, and spatial information, amino acid conservation, physicochemical variation, residue mobility, and thermodynamic stability) indicates that this missense variant is not expected to disrupt SLC6A19 protein function with a negative predictive value of 95%. In summary, the available evidence is currently insufficient to determine the role of this variant in disease. Therefore, it has been classified as a Variant of Uncertain Significance.

NM_001003841.3(SLC6A19):c.1489A>G (p.Ile497Val)

Gene: SLC6A19 (solute carrier family 6 member 19; plus strand). Cytogenetic location: 5p15.33.
Variant type: single nucleotide variant.
Coding change: c.1489A>G on transcript NM_001003841.3 (MANE Select); coding-DNA position 1489, A replaced by G.
Protein change: p.Ile497Val; replaces isoleucine 497 with valine.
Molecular consequence: missense variant.
Genome position (GRCh38, 1-based): chr5:1,219,615, A>G. VCF-style: chr5-1219615-A-G. GRCh37 (hg19) VCF-style: chr5-1219730-A-G.
Other names: short protein forms I497V.
Identifiers: ClinVar variation 2420979 (VCV002420979.4), dbSNP rs751899173, ClinGen allele CA3183183.
Genomic context (GRCh38, chr5:1,219,615, plus strand): 5'-TCCGGCCAGTACTGGCTCTCCCTGCTGGACAGCTATGCCGGCTCCATTCCCCTGCTCATC[A>G]TCGCCTTCTGCGAGATGTTCTCTGTGGTCTACGTGTACGGTGTGGACAGGTAGGGGCCAC-3'
Protein context (NP_001003841.1, residues 487-507): SYAGSIPLLI[Ile497Val]AFCEMFSVVY